The following is an entry in ClinVar:

ClinVar aggregate classification (germline): Uncertain significance (1 of 4 stars; one submission).

Allele frequency attached by ClinVar (database versions not stated): gnomAD exomes 0.00001 and 0.00002; ExAC 0.00002.

Submission:

Labcorp Genetics (formerly Invitae), Labcorp
Classification: Uncertain significance. Last evaluated: 2025-12-08. Review status: criteria provided, single submitter. Criteria: Invitae Variant Classification Sherloc (09022015). Collection method: clinical testing. Allele origin: germline.
Comment: This sequence change replaces isoleucine, which is neutral and non-polar, with valine, which is neutral and non-polar, at codon 288 of the TRPM1 protein (p.Ile288Val). This variant is present in population databases (rs560680107, gnomAD 0.006%). This variant has not been reported in the literature in individuals affected with TRPM1-related conditions. ClinVar contains an entry for this variant (Variation ID: 1523955). Invitae Evidence Modeling of protein sequence and biophysical properties (such as structural, functional, and spatial information, amino acid conservation, physicochemical variation, residue mobility, and thermodynamic stability) indicates that this missense variant is not expected to disrupt TRPM1 protein function with a negative predictive value of 95%. In summary, the available evidence is currently insufficient to determine the role of this variant in disease. Therefore, it has been classified as a Variant of Uncertain Significance.

NM_001252024.2(TRPM1):c.928A>G (p.Ile310Val)

Gene: TRPM1 (transient receptor potential cation channel subfamily M member 1; minus strand). Cytogenetic location: 15q13.3.
Variant type: single nucleotide variant.
Coding change: c.928A>G on transcript NM_001252024.2 (MANE Select); coding-DNA position 928, A replaced by G.
Protein change: p.Ile310Val; replaces isoleucine 310 with valine.
Molecular consequence: missense variant.
Genome position (GRCh38, 1-based): chr15:31,063,155, T>C on the plus strand (A>G on the coding strand, the complement: TRPM1 is on the minus strand). VCF-style: chr15-31063155-T-C. GRCh37 (hg19) VCF-style: chr15-31355358-T-C.
Other names: c.979A>G, p.Ile327Val (NM_001252020.2); c.862A>G, p.Ile288Val (NM_002420.6); short protein forms I288V, I327V, I310V.
Identifiers: ClinVar variation 1523955 (VCV001523955.6), dbSNP rs560680107, ClinGen allele CA7452767.